The following is an entry in ClinVar:

NM_001256789.3(CACNA1F):c.4985G>A (p.Arg1662Gln)

Gene: CACNA1F (calcium voltage-gated channel subunit alpha1 F; minus strand). Cytogenetic location: Xp11.23.
Variant type: single nucleotide variant.
Coding change: c.4985G>A on transcript NM_001256789.3 (MANE Select); coding-DNA position 4985, G replaced by A.
Protein change: p.Arg1662Gln; replaces arginine 1662 with glutamine.
Molecular consequence: missense variant.
Genome position (GRCh38, 1-based): chrX:49,208,653, C>T on the plus strand (G>A on the coding strand, the complement: CACNA1F is on the minus strand). VCF-style: chrX-49208653-C-T. GRCh37 (hg19) VCF-style: chrX-49065113-C-T.
Other names: c.4823G>A, p.Arg1608Gln (NM_001256790.3); c.5018G>A, p.Arg1673Gln (NM_005183.4); short protein forms R1608Q, R1662Q, R1673Q.
Identifiers: ClinVar variation 1063166 (VCV001063166.8), dbSNP rs202214415, ClinGen allele CA10410058.
Genomic context (GRCh38, chrX:49,208,653, plus strand): 5'-AAGGAGAGTGAATCTGGAAGTCTGTCCCCGACAGGCAGAGACACAGAAATCCCGGAGCCC[C>T]GGCGAGCTGAGGGCTGGGAGACCATCGTGGCCTGTGGAGAGTCACAGGACTGAGTGTTGC-3'
Protein context (NP_001243718.1, residues 1652-1672): ATMVSQPSAR[Arg1662Gln]GSGISVSLPV

ClinVar aggregate classification (germline): Conflicting classifications of pathogenicity. Review status: criteria provided, conflicting classifications (1 of 4 stars). 2 submissions from 2 submitters: Uncertain significance (1); Likely benign (1). Last evaluated 2024-03-01.

Allele frequency attached by ClinVar (database versions not stated): ExAC 0.00003; gnomAD 0.00007 and 0.00009; ESP Exome Variant Server 0.00009.
gnomAD v4.1: 117 of 1,208,807 alleles (0.0097%); highest among the groups gnomAD compares: Middle Eastern, 0.069%; no homozygotes.

Submissions (2):

Labcorp Genetics (formerly Invitae), Labcorp
Classification: Uncertain significance. Last evaluated: 2024-03-01. Review status: criteria provided, single submitter. Criteria: Invitae Variant Classification Sherloc (09022015). Collection method: clinical testing. Allele origin: germline.
Comment: This sequence change replaces arginine, which is basic and polar, with glutamine, which is neutral and polar, at codon 1673 of the CACNA1F protein (p.Arg1673Gln). This variant is present in population databases (rs202214415, gnomAD 0.01%). This variant has not been reported in the literature in individuals affected with CACNA1F-related conditions. ClinVar contains an entry for this variant (Variation ID: 1063166). Algorithms developed to predict the effect of missense changes on protein structure and function output the following: SIFT: "Not Available"; PolyPhen-2: "Benign"; Align-GVGD: "Not Available". The glutamine amino acid residue is found in multiple mammalian species, which suggests that this missense change does not adversely affect protein function. In summary, the available evidence is currently insufficient to determine the role of this variant in disease. Therefore, it has been classified as a Variant of Uncertain Significance.

Blueprint Genetics
Classification: Likely benign. Last evaluated: 2023-11-06. Review status: criteria provided, single submitter. Criteria: ACMG Guidelines, 2015. Collection method: clinical testing. Allele origin: germline.